The following is an entry in ClinVar:

NM_001170629.2(CHD8):c.3322dup (p.Ile1108fs)

Gene: CHD8 (chromodomain helicase DNA binding protein 8; minus strand). Cytogenetic location: 14q11.2.
Variant type: Duplication.
Coding change: c.3322dup on transcript NM_001170629.2 (MANE Select); coding-DNA position 3322, one base duplicated (A; older notation c.3322dupA).
Protein change: p.Ile1108fs; shifts the reading frame from isoleucine 1108.
Molecular consequence: frameshift variant.
Genome position (GRCh38, 1-based): chr14:21,403,649, T duplicated on the plus strand (A on the coding strand, the reverse complement: CHD8 is on the minus strand); the first of 6 consecutive T bases (chr14:21,403,649-21,403,654); duplicating any one gives the same sequence. VCF-style (leftmost placement, unchanged base first): chr14-21403648-A-AT. GRCh37 (hg19) VCF-style: chr14-21871807-A-AT.
Other names: c.3322dup (NM_001170629.1); c.3322dupA (NM_001170629.1); c.2485dup, p.Ile829fs (NM_020920.4); short protein forms I1108fs, I829fs.
Identifiers: ClinVar variation 589730 (VCV000589730.7), dbSNP rs1157888951, ClinGen allele CA612384549.

ClinVar aggregate classification (germline): Pathogenic. Review status: criteria provided, multiple submitters, no conflicts (2 of 4 stars). 2 submissions from 2 submitters: Pathogenic (2). Last evaluated 2025-04-22.

Conditions:
Inborn genetic diseases. Identifiers: MedGen C0950123, MeSH D030342.

Submissions (2):

GeneDx
Classification: Pathogenic. Last evaluated: 2025-04-22. Review status: criteria provided, single submitter. Criteria: GeneDx Variant Classification Process June 2021. Collection method: clinical testing. Allele origin: germline.
Comment: Frameshift variant predicted to result in protein truncation or nonsense mediated decay in a gene for which loss of function is a known mechanism of disease; Not observed at significant frequency in large population cohorts (gnomAD); This variant is associated with the following publications: (PMID: 30107084, 35052376, 33004838, 31452935, 34088660, 31526516, 35982160, 35982159)

Ambry Genetics
Classification: Pathogenic for Inborn genetic diseases. Last evaluated: 2017-01-10. Review status: criteria provided, single submitter. Criteria: Ambry Variant Classification Scheme 2023. Collection method: clinical testing. Allele origin: germline.
Comment: The c.3322dupA pathogenic mutation, located in coding exon 16 of the CHD8 gene, results from a duplication of A at nucleotide position 3322, causing a translational frameshift with a predicted alternate stop codon (p.I1108Nfs*7). This alteration is expected to result in loss of function by premature protein truncation or nonsense-mediated mRNA decay. As such, this alteration is interpreted as a disease-causing mutation.